The following is an entry in ClinVar:

NM_001379403.1(WDR26):c.130del (p.Ala44fs)

Gene: WDR26 (WD repeat domain 26; minus strand). Cytogenetic location: 1q42.12.
Variant type: Deletion.
Coding change: c.130del on transcript NM_001379403.1 (MANE Select); coding-DNA position 130, one base deleted (G; older notation c.130delG).
Protein change: p.Ala44fs; shifts the reading frame from alanine 44.
Molecular consequence: frameshift variant. On other transcripts: 5 prime UTR variant (2).
Genome position (GRCh38, 1-based): chr1:224,434,276, C deleted on the plus strand (G on the coding strand, the reverse complement: WDR26 is on the minus strand); the first of 4 consecutive C bases (chr1:224,434,276-224,434,279); deleting any one gives the same sequence. VCF-style (leftmost placement, unchanged base first): chr1-224434275-GC-G. GRCh37 (hg19) VCF-style: chr1-224621977-GC-G.
Other names: c.-171del (NM_001115113.3, NM_025160.7); short protein forms A44fs.
Identifiers: ClinVar variation 4076318 (VCV004076318.1).
Genomic context (GRCh38, chr1:224,434,275, plus strand): 5'-GAGGAGGAGGAGGACGAGGACGACGAGGACGGAGGGGAGAGGCCTGCTCTGCCTGCCGAA[GC>G]CCCGGGCTCTCCTACTCCCTCCGCCGCCGAGGCTCGGGGTTTCTTCCGCGGGGGCGGGGA-3'

ClinVar aggregate classification (germline): Likely pathogenic (1 of 4 stars; one submission).

Conditions:
Skraban-Deardorff syndrome. Also called: WDR26-Related Intellectual Disability; INTELLECTUAL DISABILITY WITH SEIZURES, ABNORMAL GAIT, AND DISTINCTIVE FACIAL FEATURES. Identifiers: Orphanet 513456, MedGen C4539927, MONDO:0054636, OMIM 617616.

Submission:

Laboratorio de Genetica e Diagnostico Molecular, Hospital Israelita Albert Einstein
Classification: Likely pathogenic for Skraban-Deardorff syndrome. Last evaluated: 2023-12-15. Review status: criteria provided, single submitter. Criteria: ACMG Guidelines, 2015. Collection method: clinical testing. Allele origin: germline. Affected: yes.
Comment: ACMG classification criteria: PVS1 very strong, PM2 moderate